The following is an entry in ClinVar:

ClinVar aggregate classification (germline): Uncertain significance (1 of 4 stars; one submission).

Conditions:
Intellectual developmental disorder, X-linked, syndromic, Turner type. Also called: X-linked intellectual disability, Turner type; Intellectual disability, X-linked syndromic, Turner type. Identifiers: Orphanet 3056, Orphanet 85328, MedGen C2678046, MONDO:0010407, OMIM 309590.

Submission:

Laboratorio de Genetica e Diagnostico Molecular, Hospital Israelita Albert Einstein
Classification: Uncertain significance for Intellectual developmental disorder, X-linked, syndromic, Turner type. Last evaluated: 2025-01-28. Review status: criteria provided, single submitter. Criteria: ACMG Guidelines, 2015. Collection method: clinical testing. Allele origin: germline. Affected: yes.
Comment: ACMG classification criteria: PM2 supporting, PP2 supporting, BP4 supporting

NM_031407.7(HUWE1):c.2623G>A (p.Ala875Thr)

Gene: HUWE1 (HECT, UBA and WWE domain containing E3 ubiquitin protein ligase 1; minus strand). Cytogenetic location: Xp11.22.
Variant type: single nucleotide variant.
Coding change: c.2623G>A on transcript NM_031407.7 (MANE Select); coding-DNA position 2623, G replaced by A.
Protein change: p.Ala875Thr; replaces alanine 875 with threonine.
Molecular consequence: missense variant.
Genome position (GRCh38, 1-based): chrX:53,604,708, C>T on the plus strand (G>A on the coding strand, the complement: HUWE1 is on the minus strand). VCF-style: chrX-53604708-C-T. GRCh37 (hg19) VCF-style: chrX-53631669-C-T.
Other names: short protein forms A875T.
Identifiers: ClinVar variation 4056771 (VCV004056771.1).